The following is an entry in ClinVar:

NM_004947.5(DOCK3):c.1394G>C (p.Gly465Ala)

Gene: DOCK3 (dedicator of cytokinesis 3; plus strand). Cytogenetic location: 3p21.2.
Variant type: single nucleotide variant.
Coding change: c.1394G>C on transcript NM_004947.5 (MANE Select); coding-DNA position 1394, G replaced by C.
Protein change: p.Gly465Ala; replaces glycine 465 with alanine.
Molecular consequence: missense variant.
Genome position (GRCh38, 1-based): chr3:51,227,299, G>C. VCF-style: chr3-51227299-G-C. GRCh37 (hg19) VCF-style: chr3-51264730-G-C.
Other names: short protein forms G465A.
Identifiers: ClinVar variation 1028826 (VCV001028826.1), dbSNP rs2090367894, ClinGen allele CA352957502.

ClinVar aggregate classification (germline): Uncertain significance (1 of 4 stars; one submission).

Conditions:
Neurodevelopmental disorder with impaired intellectual development, hypotonia, and ataxia. Identifiers: MedGen C4749014, MONDO:0032661, OMIM 618292.

Allele frequency attached by ClinVar (database versions not stated): TOPMed below 0.00001.
gnomAD v4.1: 1 of 1,613,680 alleles (0.000062%); no homozygotes.

Submission:

Baylor Genetics
Classification: Uncertain significance for Neurodevelopmental disorder with impaired intellectual development, hypotonia, and ataxia. Last evaluated: 2020-08-20. Review status: criteria provided, single submitter. Criteria: ACMG Guidelines, 2015. Collection method: clinical testing. Allele origin: unknown. Affected: yes.
Comment: This variant was determined to be of uncertain significance according to ACMG Guidelines, 2015 [PMID:25741868].